The following is an entry in ClinVar:

NM_004415.4(DSP):c.7939G>A (p.Gly2647Ser)

Gene: DSP (desmoplakin; plus strand). Cytogenetic location: 6p24.3.
Variant type: single nucleotide variant.
Coding change: c.7939G>A on transcript NM_004415.4 (MANE Select); coding-DNA position 7939, G replaced by A.
Protein change: p.Gly2647Ser; replaces glycine 2647 with serine.
Molecular consequence: missense variant.
Genome position (GRCh38, 1-based): chr6:7,585,201, G>A. VCF-style: chr6-7585201-G-A. GRCh37 (hg19) VCF-style: chr6-7585434-G-A.
Other names: c.6142G>A, p.Gly2048Ser (NM_001008844.3); c.6610G>A, p.Gly2204Ser (NM_001319034.2); short protein forms G2647S, G2204S, G2048S.
Identifiers: ClinVar variation 1761306 (VCV001761306.3), dbSNP rs1759608137, ClinGen allele CA362694103.

ClinVar aggregate classification (germline): Uncertain significance. Review status: criteria provided, multiple submitters, no conflicts (2 of 4 stars). 2 submissions from 2 submitters: Uncertain significance (2). Last evaluated 2024-03-06.

Conditions:
Cardiovascular phenotype. Identifiers: MedGen CN230736.
Cardiomyopathy (CMYO). Also called: Cardiomyopathies. Identifiers: Orphanet 167848, MedGen C0878544, MONDO:0004994, HP:0001638. Inheritance: Various modes of inheritance.

Allele frequency attached by ClinVar (database versions not stated): gnomAD 0.00001.
gnomAD v4.1: 1 of 1,614,036 alleles (0.000062%); highest among the groups gnomAD compares: Admixed American, 0.0017%; no homozygotes.

Submissions (2):

Color Diagnostics, LLC DBA Color Health
Classification: Uncertain significance for Cardiomyopathy. Last evaluated: 2024-03-06. Review status: criteria provided, single submitter. Criteria: ACMG Guidelines, 2015. Collection method: clinical testing. Allele origin: germline.
Comment: This missense variant replaces glycine with serine at codon 2647 of the DSP protein. Computational prediction tool suggests that this variant may not impact protein structure and function. Splice site prediction tools suggest that this variant may not impact RNA splicing. To our knowledge, functional studies have not been performed for this variant. This variant has not been reported in individuals affected with cardiovascular disorders in the literature. This variant has not been identified in the general population by the Genome Aggregation Database (gnomAD). The available evidence is insufficient to determine the role of this variant in disease conclusively. Therefore, this variant is classified as a Variant of Uncertain Significance.

Ambry Genetics
Classification: Uncertain significance for Cardiovascular phenotype. Last evaluated: 2022-04-19. Review status: criteria provided, single submitter. Criteria: Ambry Variant Classification Scheme 2023. Collection method: clinical testing. Allele origin: germline.
Comment: The p.G2647S variant (also known as c.7939G>A), located in coding exon 24 of the DSP gene, results from a G to A substitution at nucleotide position 7939. The glycine at codon 2647 is replaced by serine, an amino acid with similar properties. This amino acid position is conserved. In addition, the in silico prediction for this alteration is inconclusive. Since supporting evidence is limited at this time, the clinical significance of this alteration remains unclear.